The following is an entry in ClinVar:

ClinVar aggregate classification (germline): Uncertain significance (1 of 4 stars; one submission).

gnomAD v4.1: 11 of 1,613,938 alleles (0.00068%); highest among the groups gnomAD compares: African/African-American, 0.0053%; no homozygotes.

Submission:

Labcorp Genetics (formerly Invitae), Labcorp
Classification: Uncertain significance. Last evaluated: 2025-12-08. Review status: criteria provided, single submitter. Criteria: Invitae Variant Classification Sherloc (09022015). Collection method: clinical testing. Allele origin: germline.
Comment: This sequence change replaces asparagine, which is neutral and polar, with lysine, which is basic and polar, at codon 365 of the SERPINF1 protein (p.Asn365Lys). This variant is present in population databases (rs565464856, gnomAD 0.01%). This variant has not been reported in the literature in individuals affected with SERPINF1-related conditions. ClinVar contains an entry for this variant (Variation ID: 2962179). Invitae Evidence Modeling of protein sequence and biophysical properties (such as structural, functional, and spatial information, amino acid conservation, physicochemical variation, residue mobility, and thermodynamic stability) indicates that this missense variant is not expected to disrupt SERPINF1 protein function with a negative predictive value of 80%. In summary, the available evidence is currently insufficient to determine the role of this variant in disease. Therefore, it has been classified as a Variant of Uncertain Significance.

NM_002615.7(SERPINF1):c.1095C>G (p.Asn365Lys)

Gene: SERPINF1 (serpin family F member 1; plus strand). Cytogenetic location: 17p13.3.
Variant type: single nucleotide variant.
Coding change: c.1095C>G on transcript NM_002615.7 (MANE Select); coding-DNA position 1095, C replaced by G.
Protein change: p.Asn365Lys; replaces asparagine 365 with lysine.
Molecular consequence: missense variant.
Genome position (GRCh38, 1-based): chr17:1,777,284, C>G. VCF-style: chr17-1777284-C-G. GRCh37 (hg19) VCF-style: chr17-1680578-C-G.
Other names: c.1095C>G, p.Asn365Lys (NM_001329903.2); c.534C>G, p.Asn178Lys (NM_001329904.2, NM_001329905.2); short protein forms N178K, N365K.
Identifiers: ClinVar variation 2962179 (VCV002962179.3), dbSNP rs565464856, ClinGen allele CA8274956.